The following is an entry in ClinVar:

NM_000255.4(MMUT):c.424A>G (p.Thr142Ala)

Gene: MMUT (methylmalonyl-CoA mutase; minus strand). Cytogenetic location: 6p12.3.
Variant type: single nucleotide variant.
Coding change: c.424A>G on transcript NM_000255.4 (MANE Select); coding-DNA position 424, A replaced by G.
Protein change: p.Thr142Ala; replaces threonine 142 with alanine.
Molecular consequence: missense variant.
Genome position (GRCh38, 1-based): chr6:49,458,020, T>C on the plus strand (A>G on the coding strand, the complement: MMUT is on the minus strand). VCF-style: chr6-49458020-T-C. GRCh37 (hg19) VCF-style: chr6-49425733-T-C.
Other names: short protein forms T142A.
Identifiers: ClinVar variation 2734898 (VCV002734898.10), dbSNP rs2481347763, ClinGen allele CA364404758.

ClinVar aggregate classification (germline): Pathogenic. Review status: criteria provided, multiple submitters, no conflicts (2 of 4 stars). 4 submissions from 4 submitters: Pathogenic (4). Last evaluated 2025-08-04.

Conditions:
Methylmalonic aciduria due to methylmalonyl-CoA mutase deficiency (MAMM). Also called: Methylmalonic aciduria, mut type. Identifiers: Orphanet 27, MedGen C1855114, MONDO:0009612, OMIM 251000.

Submissions (4):

Myriad Genetics, Inc.
Classification: Pathogenic for Methylmalonic aciduria due to methylmalonyl-CoA mutase deficiency. Last evaluated: 2025-08-04. Review status: criteria provided, single submitter. Criteria: Myriad Autosomal Dominant, Autosomal Recessive and X-Linked Classification Criteria (2023). Collection method: clinical testing. Allele origin: unknown.
Comment: NM_000255.3(MMUT):c.424A>G(T142A) is a missense variant classified as pathogenic in the context of methylmalonic acidemia, MMUT-related. T142A has been observed in cases with relevant disease (PMID: 34668645, 36927542, 39075538). Relevant functional assessments of this variant are not available in the literature. T142A has not been observed in referenced population frequency databases. In summary, NM_000255.3(MMUT):c.424A>G(T142A) is a missense variant that has been observed more frequently in cases with the relevant disease than in healthy populations. Please note: this variant was assessed in the context of healthy population screening.

Victorian Clinical Genetics Services, Murdoch Childrens Research Institute
Classification: Pathogenic for Methylmalonic aciduria due to methylmalonyl-CoA mutase deficiency. Last evaluated: 2025-06-18. Review status: criteria provided, single submitter. Criteria: ACMG Guidelines, 2015. Collection method: clinical testing. Allele origin: germline. Affected: no.
Comment: This variant is classified as Pathogenic. Evidence in support of pathogenic classification: Variant is absent from gnomAD (v2, v3 and v4); This variant has strong previous evidence of pathogenicity in unrelated individuals. It has been reported in multiple young children with mut-type methylmalonic acidemia (PMID: 34668645) and has been classified as pathogenic by clinical laboratories (ClinVar); Missense variant predicted to be damaging by in silico tool(s) or highly conserved with a major amino acid change. Additional information: Variant is predicted to result in a missense amino acid change from Thr to Ala; This variant is heterozygous; This gene is associated with autosomal recessive disease; Variant is located in the annotated methylmalonyl-CoA mutase domain (DECIPHER); Loss of function is a known mechanism of disease in this gene and is associated with methylmalonic aciduria, mut(0) type (MIM#251000).

Labcorp Genetics (formerly Invitae), Labcorp
Classification: Pathogenic. Last evaluated: 2023-10-25. Review status: criteria provided, single submitter. Criteria: Invitae Variant Classification Sherloc (09022015). Collection method: clinical testing. Allele origin: germline.
Comment: This sequence change replaces threonine, which is neutral and polar, with alanine, which is neutral and non-polar, at codon 142 of the MUT protein (p.Thr142Ala). This variant is not present in population databases (gnomAD no frequency). This missense change has been observed in individual(s) with methylmalonic aciduria due to methylmalonyl-CoA mutase deficiency (PMID: 19806564, 21671183, 26454439, 31466887, 31622506, 31998365, 35361390). In at least one individual the data is consistent with being in trans (on the opposite chromosome) from a pathogenic variant. Advanced modeling of protein sequence and biophysical properties (such as structural, functional, and spatial information, amino acid conservation, physicochemical variation, residue mobility, and thermodynamic stability) performed at Invitae indicates that this missense variant is expected to disrupt MUT protein function with a positive predictive value of 95%. For these reasons, this variant has been classified as Pathogenic.

Juno Genomics, Hangzhou Juno Genomics, Inc
Classification: Pathogenic for Methylmalonic aciduria due to methylmalonyl-CoA mutase deficiency. Review status: criteria provided, single submitter. Criteria: ACMG Guidelines, 2015. Collection method: clinical testing. Allele origin: germline.
Comment: Absent from controls (or at extremely low frequency if recessive) in Genome Aggregation Database.;Multiple lines of computational evidence support a deleterious effect on the gene or gene product.;For recessive disorders, detected in trans with a pathogenic variant.;Patient's phenotype or family history is highly specific for a disease with a single genetic etiology.

Literature cited by the submitters: PubMed 34668645 (cited by Myriad Genetics, Inc. and Victorian Clinical Genetics Services, Murdoch Childrens Research Institute); PubMed 36927542 (cited by Myriad Genetics, Inc.); PubMed 39075538 (cited by Myriad Genetics, Inc.); PubMed 19806564 (cited by Labcorp Genetics (formerly Invitae), Labcorp); PubMed 21671183 (cited by Labcorp Genetics (formerly Invitae), Labcorp); PubMed 26454439 (cited by Labcorp Genetics (formerly Invitae), Labcorp); PubMed 31466887 (cited by Labcorp Genetics (formerly Invitae), Labcorp); PubMed 31622506 (cited by Labcorp Genetics (formerly Invitae), Labcorp); PubMed 31998365 (cited by Labcorp Genetics (formerly Invitae), Labcorp); PubMed 35361390 (cited by Labcorp Genetics (formerly Invitae), Labcorp).